The following is an entry in ClinVar:

ClinVar aggregate classification (germline): Likely benign. Review status: criteria provided, single submitter (1 of 4 stars). 2 submissions from 2 submitters: Likely benign (1). 1 of the submissions does not count toward it. Last evaluated 2026-01-07.

Conditions:
FAM111A-related disorder. Also called: FAM111A-related condition.

Allele frequency attached by ClinVar (database versions not stated): ExAC 0.00002.
gnomAD v4.1: 47 of 1,613,864 alleles (0.0029%); highest among the groups gnomAD compares: East Asian, 0.0067%; no homozygotes.

Submissions (2):

Labcorp Genetics (formerly Invitae), Labcorp
Classification: Likely benign. Last evaluated: 2026-01-07. Review status: criteria provided, single submitter. Criteria: Invitae Variant Classification Sherloc (09022015). Collection method: clinical testing. Allele origin: germline.

PreventionGenetics, part of Exact Sciences
Classification: Likely benign for FAM111A-related condition. Last evaluated: 2024-07-17. Review status: no assertion criteria provided. Collection method: clinical testing. Allele origin: germline. Not counted in ClinVar's aggregate classification.
Comment: This variant is classified as likely benign based on ACMG/AMP sequence variant interpretation guidelines (Richards et al. 2015 PMID: 25741868, with internal and published modifications).

NM_001312909.2(FAM111A):c.1179C>T (p.Asp393=)

Gene: FAM111A (FAM111 trypsin like peptidase A; plus strand). Cytogenetic location: 11q12.1.
Variant type: single nucleotide variant.
Coding change: c.1179C>T on transcript NM_001312909.2 (MANE Select); coding-DNA position 1179, C replaced by T.
Protein change: p.Asp393=; no amino-acid change (aspartic acid 393 retained).
Molecular consequence: synonymous variant.
Genome position (GRCh38, 1-based): chr11:59,152,847, C>T. VCF-style: chr11-59152847-C-T. GRCh37 (hg19) VCF-style: chr11-58920320-C-T.
Other names: c.1179C>T, p.Asp393= (NM_001374851.1, NM_001374852.1, NM_001374853.1 and 29 more transcripts); c.1179C>T (NM_022074.3).
Identifiers: ClinVar variation 3021437 (VCV003021437.4), dbSNP rs749523037, ClinGen allele CA6016721.